The following is an entry in ClinVar:

ClinVar aggregate classification (germline): Uncertain significance (1 of 4 stars; one submission).

Allele frequency attached by ClinVar (database versions not stated): ExAC 0.00002; TOPMed 0.00011; gnomAD 0.00012; ESP Exome Variant Server 0.00026.
gnomAD v4.1: 26 of 1,609,992 alleles (0.0016%); highest among the groups gnomAD compares: African/African-American, 0.031%; 1 homozygote.

Submission:

Labcorp Genetics (formerly Invitae), Labcorp
Classification: Uncertain significance. Last evaluated: 2023-04-24. Review status: criteria provided, single submitter. Criteria: Invitae Variant Classification Sherloc (09022015). Collection method: clinical testing. Allele origin: germline.
Comment: In summary, the available evidence is currently insufficient to determine the role of this variant in disease. Therefore, it has been classified as a Variant of Uncertain Significance. Algorithms developed to predict the effect of sequence changes on RNA splicing suggest that this variant may create or strengthen a splice site. Advanced modeling of protein sequence and biophysical properties (such as structural, functional, and spatial information, amino acid conservation, physicochemical variation, residue mobility, and thermodynamic stability) performed at Invitae indicates that this missense variant is not expected to disrupt RBM48 protein function. This variant has not been reported in the literature in individuals affected with RBM48-related conditions. This variant is present in population databases (rs371839158, gnomAD 0.04%). This sequence change replaces histidine, which is basic and polar, with arginine, which is basic and polar, at codon 356 of the RBM48 protein (p.His356Arg).

NM_032120.4(RBM48):c.1067A>G (p.His356Arg)

Gene: RBM48 (RNA binding motif protein 48; plus strand). Cytogenetic location: 7q21.2.
Variant type: single nucleotide variant.
Coding change: c.1067A>G on transcript NM_032120.4 (MANE Select); coding-DNA position 1067, A replaced by G.
Protein change: p.His356Arg; replaces histidine 356 with arginine.
Molecular consequence: missense variant. On other transcripts: 3 prime UTR variant (1).
Genome position (GRCh38, 1-based): chr7:92,536,900, A>G. VCF-style: chr7-92536900-A-G. GRCh37 (hg19) VCF-style: chr7-92166214-A-G.
Other names: c.*46A>G (NM_001363366.1); c.542A>G, p.His181Arg (NM_001363367.1); short protein forms H356R, H181R.
Identifiers: ClinVar variation 2968387 (VCV002968387.3), dbSNP rs371839158, ClinGen allele CA4342024.